The following is an entry in ClinVar:

ClinVar aggregate classification (germline): Uncertain significance. Review status: criteria provided, single submitter (1 of 4 stars). 3 submissions from 2 submitters: Uncertain significance (2). 1 of the submissions does not count toward it.

Conditions:
Maturity-onset diabetes of the young (MODY). Also called: Maturity onset diabetes mellitus in young. Identifiers: Orphanet 552, MedGen C0342276, MONDO:0018911, HP:0004904.
Hyperinsulinemic hypoglycemia, familial, 1 (HHF1). Also called: Persistent hyperinsulinemic hypoglycemia of infancy; HYPERINSULINISM, FAMILIAL, WITH PANCREATIC NESIDIOBLASTOSIS; HYPOGLYCEMIA, HYPERINSULINEMIC, OF INFANCY; NESIDIOBLASTOSIS OF PANCREAS; Persistent Hyperinsulinemia Hypoglycemia of Infancy. Identifiers: Orphanet 276575, Orphanet 276598, MedGen C2931832, MONDO:0009734, OMIM 256450.
Transitory neonatal diabetes mellitus. Also called: Transient neonatal diabetes mellitus. Identifiers: MedGen C0342273, MONDO:0020525, HP:0008255.

Submissions (3):

Clinical Genomics, Uppaluri K&H Personalized Medicine Clinic
Classification: Uncertain significance for Maturity-onset diabetes of the young. Review status: criteria provided, single submitter. Criteria: K & H Uppaluri Personalized Medicine Clinic Variant Classification & Assertion Criteria_Updated V.1. Collection method: research. Allele origin: unknown. Inheritance: Somatic mutation.
Comment: Mutations in ABCC8 gene are associated with both neonatal diabetes mellitus as well as MODY. Patients with this mutation may have a better response to sulfonylureas. However, no sufficient evidence is found to ascertain the role of this particular variant (rs1554949238) in MODY yet.

Clinical Genomics, Uppaluri K&H Personalized Medicine Clinic
Classification: Uncertain significance for Transitory neonatal diabetes mellitus. Review status: criteria provided, single submitter. Criteria: K & H Uppaluri Personalized Medicine Clinic Variant Classification & Assertion Criteria_Updated V.1. Collection method: research. Allele origin: unknown. Inheritance: Somatic mutation.
Comment: Mutations in ABCC8 gene are associated with both neonatal diabetes mellitus as well as MODY. Patients with this mutation may have a better response to sulfonylureas. However, no sufficient evidence is found to ascertain the role of this particular variant (rs1554949238) in neonatal diabetes yet.

Counsyl
Classification: Uncertain significance for Hyperinsulinemic hypoglycemia, familial, 1. Last evaluated: 2018-02-07. Review status: no assertion criteria provided. Collection method: clinical testing. Allele origin: unknown. Not counted in ClinVar's aggregate classification.

Literature cited by the submitters: PubMed 16885549 (cited by Clinical Genomics, Uppaluri K&H Personalized Medicine Clinic); PubMed 21989597 (cited by Clinical Genomics, Uppaluri K&H Personalized Medicine Clinic); PubMed 27538677 (cited by Clinical Genomics, Uppaluri K&H Personalized Medicine Clinic); PubMed 18981553 (cited by Clinical Genomics, Uppaluri K&H Personalized Medicine Clinic); PubMed 32027066 (cited by Clinical Genomics, Uppaluri K&H Personalized Medicine Clinic); PubMed 16613899 (cited by Clinical Genomics, Uppaluri K&H Personalized Medicine Clinic); PubMed 18025408 (cited by Clinical Genomics, Uppaluri K&H Personalized Medicine Clinic); PubMed 32792356 (cited by Clinical Genomics, Uppaluri K&H Personalized Medicine Clinic).

NM_000352.6(ABCC8):c.115_123del (p.Leu39_Phe41del)

Gene: ABCC8 (ATP binding cassette subfamily C member 8; minus strand). Cytogenetic location: 11p15.1.
Variant type: Deletion.
Coding change: c.115_123del on transcript NM_000352.6 (MANE Select); coding-DNA positions 115 to 123, 9 bases deleted (CTACTCTTC; older notation c.115_123delCTACTCTTC).
Protein change: p.Leu39_Phe41del.
Molecular consequence: inframe deletion. On other transcripts: non-coding transcript variant (1).
Genome position (GRCh38, 1-based): chr11:17,476,654-17,476,662, GAAGAGTAG deleted on the plus strand (CTACTCTTC on the coding strand, the reverse complement: ABCC8 is on the minus strand); deleting any 9 consecutive bases within chr11:17,476,654-17,476,667 gives the same sequence; the c. name uses the placement nearest the transcript's 3' end. VCF-style (leftmost placement, unchanged base first): chr11-17476653-TGAAGAGTAG-T. GRCh37 (hg19) VCF-style: chr11-17498200-TGAAGAGTAG-T.
Other names: c.115_123del, p.Leu39_Phe41del (NM_001287174.3, NM_001351295.2, NM_001351296.2 and 1 more transcripts).
Identifiers: ClinVar variation 556577 (VCV000556577.4), dbSNP rs1554949238, ClinGen allele CA658821548.
Genomic context (GRCh38, chr11:17,476,653, plus strand): 5'-CCGTCCCCTCCTCCGCGGCTCGCTGCGCGCACTCACCAATGAAGAGGATGGGGAAGGTGA[TGAAGAGTAG>T]GAAGACGTGCGGCACCACGTTGAGCGCGTCCACAAAGCAGCCGTTGTTGAGGACCCCCTG-3'